The following is an entry in ClinVar:

ClinVar aggregate classification (germline): Uncertain significance (1 of 4 stars; one submission).

Allele frequency attached by ClinVar (database versions not stated): gnomAD exomes below 0.00001 and 0.00001; TOPMed 0.00002.
gnomAD v4.1: 2 of 1,536,982 alleles (0.00013%); highest among the groups gnomAD compares: Admixed American, 0.0019%; no homozygotes.

Submission:

Labcorp Genetics (formerly Invitae), Labcorp
Classification: Uncertain significance. Last evaluated: 2021-05-30. Review status: criteria provided, single submitter. Criteria: Invitae Variant Classification Sherloc (09022015). Collection method: clinical testing. Allele origin: germline.
Comment: This sequence change replaces alanine with valine at codon 40 of the NEFH protein (p.Ala40Val). The alanine residue is moderately conserved and there is a small physicochemical difference between alanine and valine. The frequency data for this variant in the population databases is considered unreliable, as metrics indicate insufficient coverage at this position in the ExAC database. This variant has not been reported in the literature in individuals with NEFH-related conditions. Advanced modeling of protein sequence and biophysical properties (such as structural, functional, and spatial information, amino acid conservation, physicochemical variation, residue mobility, and thermodynamic stability) performed at Invitae indicates that this missense variant is not expected to disrupt NEFH protein function. In summary, the available evidence is currently insufficient to determine the role of this variant in disease. Therefore, it has been classified as a Variant of Uncertain Significance.

NM_021076.4(NEFH):c.119C>T (p.Ala40Val)

Gene: NEFH (neurofilament heavy chain; plus strand). Cytogenetic location: 22q12.2.
Variant type: single nucleotide variant.
Coding change: c.119C>T on transcript NM_021076.4 (MANE Select); coding-DNA position 119, C replaced by T.
Protein change: p.Ala40Val; replaces alanine 40 with valine.
Molecular consequence: missense variant.
Genome position (GRCh38, 1-based): chr22:29,480,381, C>T. VCF-style: chr22-29480381-C-T. GRCh37 (hg19) VCF-style: chr22-29876370-C-T.
Other names: short protein forms A40V.
Identifiers: ClinVar variation 1466713 (VCV001466713.8), dbSNP rs1474351396, ClinGen allele CA411121447.
Genomic context (GRCh38, chr22:29,480,381, plus strand): 5'-GCGGCGGCAGCCTCCACTACGCGCTAGCCCGAAAGGGTGGCGCAGGCGGGACGCGCTCCG[C>T]CGCTGGCTCCTCCAGCGGCTTCCACTCGTGGACACGGACGTCCGTGAGCTCCGTGTCCGC-3'
Protein context (NP_066554.2, residues 30-50): RKGGAGGTRS[Ala40Val]AGSSSGFHSW